The following is an entry in ClinVar:

ClinVar aggregate classification (germline): Uncertain significance (1 of 4 stars; one submission).

Conditions:
Cardiomyopathy (CMYO). Also called: Cardiomyopathies. Identifiers: Orphanet 167848, MedGen C0878544, MONDO:0004994, HP:0001638. Inheritance: Various modes of inheritance.

Submission:

Color Diagnostics, LLC DBA Color Health
Classification: Uncertain significance for Cardiomyopathy. Last evaluated: 2021-02-11. Review status: criteria provided, single submitter. Criteria: ACMG Guidelines, 2015. Collection method: clinical testing. Allele origin: germline.
Comment: This variant replaces the translation stop codon of the PKP2 gene with aspartate and adds 4 new amino acids before introducing a translation stop codon. To our knowledge, functional studies have not been reported for this variant. This variant has not been reported in individuals affected with cardiovascular disorders in the literature. This variant has not been identified in the general population by the Genome Aggregation Database (gnomAD). The available evidence is insufficient to determine the role of this variant in disease conclusively. Therefore, this variant is classified as a Variant of Uncertain Significance.

NM_001005242.3(PKP2):c.2511_2513delinsATT (p.Asp837_Ter838delinsGluLeu)

Gene: PKP2 (plakophilin 2; minus strand). Cytogenetic location: 12p11.21.
Variant type: Indel.
Coding change: c.2511_2513delinsATT on transcript NM_001005242.3 (MANE Select); coding-DNA positions 2511 to 2513, CTG replaced by ATT.
Protein change: p.Asp837_Ter838delinsGluLeu.
Molecular consequence: stop lost.
Genome position (GRCh38, 1-based): chr12:32,792,425-32,792,427, CAG replaced by AAT on the plus strand (CTG replaced by ATT on the coding strand, the reverse complement: PKP2 is on the minus strand). VCF-style: chr12-32792425-CAG-AAT. GRCh37 (hg19) VCF-style: chr12-32945359-CAG-AAT.
Other names: c.2643_2645delinsATT, p.Asp881_Ter882delinsGluLeu (NM_004572.4).
Identifiers: ClinVar variation 1331786 (VCV001331786.2), dbSNP rs2137697058, ClinGen allele CA2573053653.